The following is an entry in ClinVar:

ClinVar aggregate classification (germline): Uncertain significance (1 of 4 stars; one submission).

Conditions:
Dyskeratosis congenita. Identifiers: Orphanet 1775, MedGen C0265965, MONDO:0015780.

Submission:

Ambry Genetics
Classification: Uncertain significance for Dyskeratosis congenita. Last evaluated: 2026-03-12. Review status: criteria provided, single submitter. Criteria: Ambry Variant Classification Scheme 2023. Collection method: clinical testing. Allele origin: germline.
Comment: The p.D685E variant (also known as c.2055T>G), located in coding exon 5 of the TERT gene, results from a T to G substitution at nucleotide position 2055. The aspartic acid at codon 685 is replaced by glutamic acid, an amino acid with highly similar properties. This amino acid position is conserved. In addition, the in silico prediction for this alteration is inconclusive. Based on the available evidence, the clinical significance of this variant remains unclear.

NM_198253.3(TERT):c.2055T>G (p.Asp685Glu)

Gene: TERT (telomerase reverse transcriptase; minus strand). Cytogenetic location: 5p15.33.
Variant type: single nucleotide variant.
Coding change: c.2055T>G on transcript NM_198253.3 (MANE Select); coding-DNA position 2055, T replaced by G.
Protein change: p.Asp685Glu; replaces aspartic acid 685 with glutamic acid.
Molecular consequence: missense variant. On other transcripts: non-coding transcript variant (2).
Genome position (GRCh38, 1-based): chr5:1,279,366, A>C on the plus strand (T>G on the coding strand, the complement: TERT is on the minus strand). VCF-style: chr5-1279366-A-C. GRCh37 (hg19) VCF-style: chr5-1279481-A-C.
Other names: c.2055T>G, p.Asp685Glu (NM_001193376.3); short protein forms D685E.
Identifiers: ClinVar variation 4827648 (VCV004827648.1).
Genomic context (GRCh38, chr5:1,279,366, plus strand): 5'-CTCAGGCGGCGGGTCCTGGGCCCGCACACGCAGCACGAAGGTGCGCCAGGCCCTGTGGAT[A>C]TCGTCCAGGCCCAGCACAGAGGCGCCCAGGAGGCCGGGGCGCCGCGCCCGCTCGTAGTTG-3'
Protein context (NP_937983.2, residues 675-695): LLGASVLGLD[Asp685Glu]IHRAWRTFVL